The following is an entry in ClinVar:

NM_001079.4(ZAP70):c.185A>G (p.Glu62Gly)

Gene: ZAP70 (zeta chain of T cell receptor associated protein kinase 70; plus strand). Cytogenetic location: 2q11.2.
Variant type: single nucleotide variant.
Coding change: c.185A>G on transcript NM_001079.4 (MANE Select); coding-DNA position 185, A replaced by G.
Protein change: p.Glu62Gly; replaces glutamic acid 62 with glycine.
Molecular consequence: missense variant.
Genome position (GRCh38, 1-based): chr2:97,724,221, A>G. VCF-style: chr2-97724221-A-G. GRCh37 (hg19) VCF-style: chr2-98340684-A-G.
Other names: c.185A>G, p.Glu62Gly (NM_001378594.1); short protein forms E62G.
Identifiers: ClinVar variation 1016930 (VCV001016930.7), dbSNP rs1253501517, ClinGen allele CA347789007.

ClinVar aggregate classification (germline): Uncertain significance (1 of 4 stars; one submission).

Conditions:
Combined immunodeficiency due to ZAP70 deficiency (IMD48). Also called: Immunodeficiency 48; ZAP70 Deficiency. Identifiers: Orphanet 911, MedGen C2931299, MONDO:0010023, OMIM 269840.

Allele frequency attached by ClinVar (database versions not stated): TOPMed below 0.00001.

Submission:

Labcorp Genetics (formerly Invitae), Labcorp
Classification: Uncertain significance for Combined immunodeficiency due to ZAP70 deficiency. Last evaluated: 2021-07-30. Review status: criteria provided, single submitter. Criteria: Invitae Variant Classification Sherloc (09022015). Collection method: clinical testing. Allele origin: germline.
Comment: In summary, the available evidence is currently insufficient to determine the role of this variant in disease. Therefore, it has been classified as a Variant of Uncertain Significance. Algorithms developed to predict the effect of missense changes on protein structure and function are either unavailable or do not agree on the potential impact of this missense change (SIFT: "Not Available"; PolyPhen-2: "Probably Damaging"; Align-GVGD: "Not Available"). This variant has not been reported in the literature in individuals with ZAP70-related conditions. This variant is not present in population databases (ExAC no frequency). This sequence change replaces glutamic acid with glycine at codon 62 of the ZAP70 protein (p.Glu62Gly). The glutamic acid residue is moderately conserved and there is a moderate physicochemical difference between glutamic acid and glycine.